The following is an entry in ClinVar:

ClinVar aggregate classification (germline): Uncertain significance (1 of 4 stars; one submission).

gnomAD v4.1: 21 of 1,613,784 alleles (0.0013%); highest among the groups gnomAD compares: Middle Eastern, 0.033%; no homozygotes.

Submission:

Labcorp Genetics (formerly Invitae), Labcorp
Classification: Uncertain significance. Last evaluated: 2024-08-25. Review status: criteria provided, single submitter. Criteria: Invitae Variant Classification Sherloc (09022015). Collection method: clinical testing. Allele origin: germline.
Comment: This sequence change replaces aspartic acid, which is acidic and polar, with asparagine, which is neutral and polar, at codon 278 of the MYCN protein (p.Asp278Asn). This variant is present in population databases (rs201115523, gnomAD 0.005%). This variant has not been reported in the literature in individuals affected with MYCN-related conditions. Invitae Evidence Modeling of protein sequence and biophysical properties (such as structural, functional, and spatial information, amino acid conservation, physicochemical variation, residue mobility, and thermodynamic stability) has been performed for this missense variant. However, the output from this modeling did not meet the statistical confidence thresholds required to predict the impact of this variant on MYCN protein function. In summary, the available evidence is currently insufficient to determine the role of this variant in disease. Therefore, it has been classified as a Variant of Uncertain Significance.

NM_005378.6(MYCN):c.832G>A (p.Asp278Asn)

Gene: MYCN (MYCN proto-oncogene, bHLH transcription factor; plus strand). Cytogenetic location: 2p24.3.
Variant type: single nucleotide variant.
Coding change: c.832G>A on transcript NM_005378.6 (MANE Select); coding-DNA position 832, G replaced by A.
Protein change: p.Asp278Asn; replaces aspartic acid 278 with asparagine.
Molecular consequence: missense variant. On other transcripts: 3 prime UTR variant (1).
Genome position (GRCh38, 1-based): chr2:15,945,534, G>A. VCF-style: chr2-15945534-G-A. GRCh37 (hg19) VCF-style: chr2-16085656-G-A.
Other names: c.832G>A, p.Asp278Asn (NM_001293228.2); c.199G>A, p.Asp67Asn (NM_001293231.2); c.*767G>A (NM_001293233.2); short protein forms D278N, D67N.
Identifiers: ClinVar variation 3623304 (VCV003623304.2).